The following is an entry in ClinVar:

ClinVar aggregate classification (germline): Likely pathogenic. Review status: criteria provided, single submitter (1 of 4 stars). 2 submissions from 2 submitters: Likely pathogenic (1). 1 of the submissions does not count toward it. Last evaluated 2019-05-21.

Conditions:
Hyperparathyroidism, transient neonatal. Identifiers: MedGen C1300287, MONDO:0032591, OMIM 618188.

Allele frequency attached by ClinVar (database versions not stated): gnomAD exomes below 0.00001; gnomAD 0.00001; TOPMed 0.00001.
gnomAD v4.1: 4 of 1,613,908 alleles (0.00025%); highest among the groups gnomAD compares: East Asian, 0.0045%; no homozygotes.

Submissions (2):

SIB Swiss Institute of Bioinformatics
Classification: Likely pathogenic for Hyperparathyroidism, transient neonatal. Last evaluated: 2019-05-21. Review status: criteria provided, single submitter. Criteria: ACMG Guidelines, 2015. Collection method: curation. Allele origin: unknown.
Comment: This variant is interpreted as a Likely pathogenic for Hyperparathyroidism, transient neonatal, autosomal recessive. The following ACMG Tag(s) were applied: PM2, PP3, PS3-Moderate, PP1, PM3-Supporting .

OMIM
Classification: Pathogenic for HYPERPARATHYROIDISM, TRANSIENT NEONATAL. Last evaluated: 2018-11-14. Review status: no assertion criteria provided. Collection method: literature only. Allele origin: germline. Not counted in ClinVar's aggregate classification.

Literature cited by the submitters: PubMed 29861107 (cited by SIB Swiss Institute of Bioinformatics and OMIM).

NM_018646.6(TRPV6):c.1274G>A (p.Arg425Gln)

Gene: TRPV6 (transient receptor potential cation channel subfamily V member 6; minus strand). Cytogenetic location: 7q34.
Variant type: single nucleotide variant.
Coding change: c.1274G>A on transcript NM_018646.6 (MANE Select); coding-DNA position 1274, G replaced by A.
Protein change: p.Arg425Gln; replaces arginine 425 with glutamine.
Molecular consequence: missense variant.
Genome position (GRCh38, 1-based): chr7:142,875,133, C>T on the plus strand (G>A on the coding strand, the complement: TRPV6 is on the minus strand). VCF-style: chr7-142875133-C-T. GRCh37 (hg19) VCF-style: chr7-142572886-C-T.
Other names: short protein forms R425Q.
Identifiers: ClinVar variation 590767 (VCV000590767.2), dbSNP rs1281361203, ClinGen allele CA369632902.